The following is an entry in ClinVar:

ClinVar aggregate classification (germline): Benign (1 of 4 stars; one submission).

Conditions:
Erythrocytosis, familial, 3 (ECYT3). Identifiers: Orphanet 247511, MedGen C1853286, MONDO:0012353, OMIM 609820.

Allele frequency attached by ClinVar (database versions not stated): TOPMed 0.00012; gnomAD 0.00016 and 0.00034; gnomAD exomes 0.00054; 1000 Genomes Project 30x 0.00078; 1000 Genomes Project 0.00080.
gnomAD v4.1: 52 of 154,226 alleles (0.034%); highest among the groups gnomAD compares: South Asian, 0.53%; no homozygotes.

Submission:

Illumina Laboratory Services, Illumina
Classification: Benign for Erythrocytosis, familial, 3. Last evaluated: 2018-03-06. Review status: criteria provided, single submitter. Criteria: ICSL Variant Classification Criteria 13 December 2019. Collection method: clinical testing. Allele origin: germline.
Comment: This variant was observed in the ICSL laboratory as part of a predisposition screen in an ostensibly healthy population. It had not been previously curated by ICSL or reported in the Human Gene Mutation Database (HGMD: prior to June 1st, 2018), and was therefore a candidate for classification through an automated scoring system. Utilizing variant allele frequency, disease prevalence and penetrance estimates, and inheritance mode, an automated score was calculated to assess if this variant is too frequent to cause the disease. Based on the score and internal cut-off values, a variant classified as benign is not then subjected to further curation. The score for this variant resulted in a classification of benign for this disease.

NM_022051.3(EGLN1):c.*575A>T

Gene: EGLN1 (egl-9 family hypoxia inducible factor 1; minus strand). Cytogenetic location: 1q42.2.
Variant type: single nucleotide variant.
Coding change: c.*575A>T on transcript NM_022051.3 (MANE Select); 575 bases downstream of the stop codon, A replaced by T.
Molecular consequence: 3 prime UTR variant.
Genome position (GRCh38, 1-based): chr1:231,365,836, T>A on the plus strand (A>T on the coding strand, the complement: EGLN1 is on the minus strand). VCF-style: chr1-231365836-T-A. GRCh37 (hg19) VCF-style: chr1-231501582-T-A.
Other names: c.*636A>T (NM_001377260.1); c.*681A>T (NM_001377261.1).
Identifiers: ClinVar variation 876107 (VCV000876107.4), dbSNP rs373743992, ClinGen allele CA38956468.
Genomic context (GRCh38, chr1:231,365,836, plus strand): 5'-CAATCTTTAACAGTTCAAATTAGTGTAAGGAAGGACTACAAAACAATCTGATTTTTCAGT[T>A]GTAATTAAAGTGCTCCTTTTCTTATTTTAAGTAAAATAAAATTAATCATCAGTCACTGGC-3'